The following is an entry in ClinVar:

ClinVar aggregate classification (germline): Uncertain significance. Review status: criteria provided, multiple submitters, no conflicts (2 of 4 stars). 2 submissions from 2 submitters: Uncertain significance (2). Last evaluated 2024-10-13.

Conditions:
Pheochromocytoma. Also called: MAX-Related Hereditary Paraganglioma-Pheochromocytoma Syndrome. Identifiers: Orphanet 29072, MedGen C0031511, MONDO:0008233, OMIM 171300, HP:0002666.
Cowden syndrome 3 (CWS3). Identifiers: Orphanet 201, MedGen CN166604, MONDO:0014045.
Carney-Stratakis syndrome. Also called: PARAGANGLIOMA AND GASTROINTESTINAL STROMAL TUMOR. Identifiers: Orphanet 97286, MedGen C1847319, MONDO:0011740, OMIM 606864.
Paragangliomas with sensorineural hearing loss. Identifiers: MedGen C1868633.
Hereditary cancer-predisposing syndrome. Also called: Tumor predisposition; Hereditary Cancer Syndrome; Hereditary neoplastic syndrome; Neoplastic Syndromes, Hereditary. Identifiers: Orphanet 140162, MedGen C0027672, MeSH D009386, MONDO:0015356.

Submissions (2):

Ambry Genetics
Classification: Uncertain significance for Hereditary cancer-predisposing syndrome. Last evaluated: 2024-10-13. Review status: criteria provided, single submitter. Criteria: Ambry Variant Classification Scheme 2023. Collection method: clinical testing. Allele origin: germline.
Comment: The p.G16V variant (also known as c.47G>T), located in coding exon 1 of the SDHD gene, results from a G to T substitution at nucleotide position 47. The glycine at codon 16 is replaced by valine, an amino acid with dissimilar properties. This amino acid position is conserved. In addition, this alteration is predicted to be deleterious by in silico analysis. Based on the available evidence, the clinical significance of this variant remains unclear.

Labcorp Genetics (formerly Invitae), Labcorp
Classification: Uncertain significance for Carney-Stratakis syndrome; Paragangliomas with sensorineural hearing loss; Pheochromocytoma; Cowden syndrome 3. Last evaluated: 2022-11-18. Review status: criteria provided, single submitter. Criteria: Invitae Variant Classification Sherloc (09022015). Collection method: clinical testing. Allele origin: germline.
Comment: Advanced modeling of protein sequence and biophysical properties (such as structural, functional, and spatial information, amino acid conservation, physicochemical variation, residue mobility, and thermodynamic stability) performed at Invitae indicates that this missense variant is not expected to disrupt SDHD protein function. In summary, the available evidence is currently insufficient to determine the role of this variant in disease. Therefore, it has been classified as a Variant of Uncertain Significance. This variant is not present in population databases (gnomAD no frequency). This sequence change replaces glycine, which is neutral and non-polar, with valine, which is neutral and non-polar, at codon 16 of the SDHD protein (p.Gly16Val). This variant has not been reported in the literature in individuals affected with SDHD-related conditions.

NM_003002.4(SDHD):c.47G>T (p.Gly16Val)

Genes: SDHD (succinate dehydrogenase complex subunit D; plus strand), LOC126861339 (BRD4-independent group 4 enhancer GRCh37_chr11:111957035-111958234; plus strand). Cytogenetic location: 11q23.1.
Variant type: single nucleotide variant.
Coding change: c.47G>T on transcript NM_003002.4 (MANE Select); coding-DNA position 47, G replaced by T.
Protein change: p.Gly16Val; replaces glycine 16 with valine.
Molecular consequence: missense variant. On other transcripts: non-coding transcript variant (1).
Genome position (GRCh38, 1-based): chr11:112,086,954, G>T. VCF-style: chr11-112086954-G-T. GRCh37 (hg19) VCF-style: chr11-111957678-G-T.
Other names: c.47G>T (NM_003002.2); c.47G>T, p.Gly16Val (NM_001276503.2, NM_001276504.2, NM_001276506.2); short protein forms G16V.
Identifiers: ClinVar variation 2941640 (VCV002941640.4), dbSNP rs2135264810, ClinGen allele CA382616756.